The following is an entry in ClinVar:

ClinVar aggregate classification (germline): Conflicting classifications of pathogenicity. Review status: criteria provided, conflicting classifications (1 of 4 stars). 4 submissions from 4 submitters: Uncertain significance (2); Likely benign (2). Last evaluated 2026-08-27.

Conditions:
EYS-related disorder. Also called: EYS-related condition.

Allele frequency attached by ClinVar (database versions not stated): gnomAD 0.00005 and 0.00007; gnomAD exomes 0.00005 and 0.00031; TOPMed 0.00015; 1000 Genomes Project 30x 0.00031; ExAC 0.00031; 1000 Genomes Project 0.00040.
gnomAD v4.1: 87 of 1,611,554 alleles (0.0054%); highest among the groups gnomAD compares: East Asian, 0.17%; no homozygotes.

Submissions (4):

PreventionGenetics, part of Exact Sciences
Classification: Uncertain significance for EYS-related condition. Last evaluated: 2026-08-27. Review status: criteria provided, single submitter. Criteria: ACMG Guidelines, 2015. Collection method: clinical testing. Allele origin: germline.
Comment: The EYS c.904C>T variant is predicted to result in the amino acid substitution p.Leu302Phe. This variant has been reported in combination with an additional EYS variant in individuals with retinitis pigmentosa (RP, Xu et al. 2014. PubMed ID: 24938718; Ma et al. 2021. PubMed ID: 33691693; Kominami et al. 2025. PubMed ID: 39970144) and has been noted in combination with two or more EYS variants in two individuals with RP (Ge et al. 2015. PubMed ID: 26667666; Table S7, Liu et al. 2020. PubMed ID: 33090715). This variant is reported in 0.42% of alleles in individuals of East Asian descent in gnomAD. The variant has been noted in RP cohorts, but classified as likely benign because of the high frequency in the general population and in silico studies (Messchaert et al. 2018. PubMed ID: 29159838; Table S2, Ma et al. 2021. PubMed ID: 33691693; Suvannaboon et al. 2022. PubMed ID: 36513702.). The variant has conflicting classifications in ClinVar ranging from likely benign to uncertain (Variation ID: 760888). At this time, the clinical significance of this variant is uncertain due to the absence of conclusive functional and genetic evidence.

Labcorp Genetics (formerly Invitae), Labcorp
Classification: Likely benign. Last evaluated: 2025-12-23. Review status: criteria provided, single submitter. Criteria: Invitae Variant Classification Sherloc (09022015). Collection method: clinical testing. Allele origin: germline.

Blueprint Genetics
Classification: Likely benign. Last evaluated: 2022-06-29. Review status: criteria provided, single submitter. Criteria: ACMG Guidelines, 2015. Collection method: clinical testing. Allele origin: germline.

Women's Health and Genetics/Laboratory Corporation of America, LabCorp
Classification: Uncertain significance. Last evaluated: 2022-04-14. Review status: criteria provided, single submitter. Criteria: LabCorp Variant Classification Summary - May 2015. Collection method: clinical testing. Allele origin: germline.
Comment: Variant summary: EYS c.904C>T (p.Leu302Phe) results in a non-conservative amino acid change in the encoded protein sequence. Four of five in-silico tools predict a benign effect of the variant on protein function. The variant allele was found at a frequency of 0.00031 in 250968 control chromosomes, predominantly at a frequency of 0.0042 within the East Asian subpopulation in the gnomAD database. The observed variant frequency within East Asian control individuals in the gnomAD database is approximately equal to the estimated maximal expected allele frequency for a pathogenic variant in EYS causing Retinitis Pigmentosa phenotype (0.0034), suggesting that the variant may be a benign polymorphism found primarily in populations of East Asian origin. Nevertheless, c.904C>T has been reported in the literature in individuals affected with Retinitis Pigmentosa (e.g. Xu_2014, Ge_2015, Liu_2020). These reports do not provide unequivocal conclusions about association of the variant with Retinitis Pigmentosa. To our knowledge, no experimental evidence demonstrating an impact on protein function has been reported. A ClinVar submitter (evaluation after 2014) cites the variant as likely benign. Based on the evidence outlined above, the variant was classified as uncertain significance.

Literature cited by the submitters: PubMed 24938718 (cited by Women's Health and Genetics/Laboratory Corporation of America, LabCorp); PubMed 33090715 (cited by Women's Health and Genetics/Laboratory Corporation of America, LabCorp); PubMed 33691693 (cited by Women's Health and Genetics/Laboratory Corporation of America, LabCorp); PubMed 26667666 (cited by Women's Health and Genetics/Laboratory Corporation of America, LabCorp).

NM_001142800.2(EYS):c.904C>T (p.Leu302Phe)

Gene: EYS (EGF-like photoreceptor maintenance factor; minus strand). Cytogenetic location: 6q12.
Variant type: single nucleotide variant.
Coding change: c.904C>T on transcript NM_001142800.2 (MANE Select); coding-DNA position 904, C replaced by T.
Protein change: p.Leu302Phe; replaces leucine 302 with phenylalanine.
Molecular consequence: missense variant.
Genome position (GRCh38, 1-based): chr6:65,405,326, G>A on the plus strand (C>T on the coding strand, the complement: EYS is on the minus strand). VCF-style: chr6-65405326-G-A. GRCh37 (hg19) VCF-style: chr6-66115219-G-A.
Other names: c.904C>T, p.Leu302Phe (NM_001142801.2, NM_001292009.2, NM_198283.2); short protein forms L302F.
Identifiers: ClinVar variation 760888 (VCV000760888.13), dbSNP rs202064483, ClinGen allele CA3877927.